The following is an entry in ClinVar:

ClinVar aggregate classification (germline): Uncertain significance (1 of 4 stars; one submission).

Conditions:
Long QT syndrome (LQTS). Identifiers: MedGen C0023976, MeSH D008133, MONDO:0002442. Disease mechanism: loss of function. Inheritance: Various modes of inheritance.

Submission:

Labcorp Genetics (formerly Invitae), Labcorp
Classification: Uncertain significance for Long QT syndrome. Last evaluated: 2026-01-27. Review status: criteria provided, single submitter. Criteria: Invitae Variant Classification Sherloc (09022015). Collection method: clinical testing. Allele origin: germline.
Comment: This sequence change replaces serine, which is neutral and polar, with tyrosine, which is neutral and polar, at codon 253 of the KCNQ1 protein (p.Ser253Tyr). This variant is not present in population databases (gnomAD no frequency). This missense change has been observed in individual(s) with clinical features of long QT syndrome (internal data). Invitae Evidence Modeling of protein sequence and biophysical properties (such as structural, functional, and spatial information, amino acid conservation, physicochemical variation, residue mobility, and thermodynamic stability) has been performed for this missense variant. However, the output from this modeling did not meet the statistical confidence thresholds required to predict the impact of this variant on KCNQ1 protein function. This variant disrupts the p.Ser253 amino acid residue in KCNQ1. Other variant(s) that disrupt this residue have been determined to be pathogenic (internal data). This suggests that this residue is clinically significant, and that variants that disrupt this residue are likely to be disease-causing. In summary, the available evidence is currently insufficient to determine the role of this variant in disease. Therefore, it has been classified as a Variant of Uncertain Significance.

NM_000218.3(KCNQ1):c.758C>A (p.Ser253Tyr)

Gene: KCNQ1 (potassium voltage-gated channel subfamily Q member 1; plus strand). Cytogenetic location: 11p15.5.
Variant type: single nucleotide variant.
Coding change: c.758C>A on transcript NM_000218.3 (MANE Select); coding-DNA position 758, C replaced by A.
Protein change: p.Ser253Tyr; replaces serine 253 with tyrosine.
Molecular consequence: missense variant. On other transcripts: intron variant (1).
Genome position (GRCh38, 1-based): chr11:2,572,087, C>A. VCF-style: chr11-2572087-C-A. GRCh37 (hg19) VCF-style: chr11-2593317-C-A.
Other names: c.758C>A, p.Ser253Tyr (NM_001406836.1); c.488C>A, p.Ser163Tyr (NM_001406837.1); c.377C>A, p.Ser126Tyr (NM_181798.2); c.478-11348C>A (NM_001406838.1); short protein forms S126Y, S253Y, S163Y.
Identifiers: ClinVar variation 4709534 (VCV004709534.1).